The following is an entry in ClinVar:

ClinVar aggregate classification (germline): Uncertain significance. Review status: criteria provided, multiple submitters, no conflicts (2 of 4 stars). 2 submissions from 2 submitters: Uncertain significance (2). Last evaluated 2024-05-30.

Conditions:
Infantile nephronophthisis (NPHP2). Also called: Nephronophthisis 2; Nephronophthisis 2, infantile. Identifiers: Orphanet 655, Orphanet 93591, MedGen C1865872, MONDO:0011190, OMIM 602088.
Nephronophthisis. Also called: Juvenile Nephronophthisis. Identifiers: Orphanet 655, MedGen C0687120, MONDO:0019005, HP:0000090.

Allele frequency attached by ClinVar (database versions not stated): TOPMed below 0.00001.

Submissions (2):

Fulgent Genetics
Classification: Uncertain significance for Infantile nephronophthisis. Last evaluated: 2024-05-30. Review status: criteria provided, single submitter. Criteria: ACMG Guidelines, 2015. Collection method: clinical testing. Allele origin: germline.

Labcorp Genetics (formerly Invitae), Labcorp
Classification: Uncertain significance for Nephronophthisis. Last evaluated: 2023-07-07. Review status: criteria provided, single submitter. Criteria: Invitae Variant Classification Sherloc (09022015). Collection method: clinical testing. Allele origin: germline.
Comment: In summary, the available evidence is currently insufficient to determine the role of this variant in disease. Therefore, it has been classified as a Variant of Uncertain Significance. Algorithms developed to predict the effect of missense changes on protein structure and function output the following: SIFT: "Not Available"; PolyPhen-2: "Benign"; Align-GVGD: "Not Available". The proline amino acid residue is found in multiple mammalian species, which suggests that this missense change does not adversely affect protein function. ClinVar contains an entry for this variant (Variation ID: 2080409). This variant has not been reported in the literature in individuals affected with INVS-related conditions. This variant is not present in population databases (gnomAD no frequency). This sequence change replaces serine, which is neutral and polar, with proline, which is neutral and non-polar, at codon 725 of the INVS protein (p.Ser725Pro).

NM_014425.5(INVS):c.2173T>C (p.Ser725Pro)

Gene: INVS (inversin; plus strand). Cytogenetic location: 9q31.1.
Variant type: single nucleotide variant.
Coding change: c.2173T>C on transcript NM_014425.5 (MANE Select); coding-DNA position 2173, T replaced by C.
Protein change: p.Ser725Pro; replaces serine 725 with proline.
Molecular consequence: missense variant. On other transcripts: non-coding transcript variant (1).
Genome position (GRCh38, 1-based): chr9:100,292,430, T>C. VCF-style: chr9-100292430-T-C. GRCh37 (hg19) VCF-style: chr9-103054712-T-C.
Other names: c.1885T>C, p.Ser629Pro (NM_001318381.2); c.1195T>C, p.Ser399Pro (NM_001318382.2); short protein forms S399P, S725P, S629P.
Identifiers: ClinVar variation 2080409 (VCV002080409.4), dbSNP rs1833647632, ClinGen allele CA374242241.